The following is an entry in ClinVar:

NM_007289.4(MME):c.1272del (p.Arg425fs)

Gene: MME (membrane metalloendopeptidase; plus strand). Cytogenetic location: 3q25.2.
Variant type: Deletion.
Coding change: c.1272del on transcript NM_007289.4 (MANE Select); coding-DNA position 1272, one base deleted (G; older notation c.1272delG).
Protein change: p.Arg425fs; shifts the reading frame from arginine 425.
Molecular consequence: frameshift variant.
Genome position (GRCh38, 1-based): chr3:155,143,526, G deleted; the last of 4 consecutive G bases (chr3:155,143,523-155,143,526); deleting any one gives the same sequence. VCF-style (leftmost placement, unchanged base first): chr3-155143522-TG-T. GRCh37 (hg19) VCF-style: chr3-154861311-TG-T.
Other names: c.1272del, p.Arg425fs (NM_000902.5, NM_001354642.2, NM_001354643.1 and 2 more transcripts); short protein forms R425fs.
Identifiers: ClinVar variation 403669 (VCV000403669.6), dbSNP rs1060499935, ClinGen allele CA16609825.

ClinVar aggregate classification (germline): Conflicting classifications of pathogenicity. Review status: criteria provided, conflicting classifications (1 of 4 stars). 2 submissions from 2 submitters: Likely pathogenic (1); Uncertain significance (1). Last evaluated 2020-05-31.

Conditions:
Charcot-Marie-Tooth disease axonal type 2T. Identifiers: Orphanet 443950, MedGen C4015635, OMIM 617017, MONDO:0014866.

Submissions (2):

Genetic Services Laboratory, University of Chicago
Classification: Likely pathogenic. Last evaluated: 2020-05-31. Review status: criteria provided, single submitter. Criteria: ACMG Guidelines, 2015. Collection method: clinical testing. Allele origin: germline. Affected: yes.
Comment: This sequence change is a single base pair deletion in exon 13, c.1272del, that results in an amino acid frameshift and creates a premature stop codon 18 amino acids downstream of the change, p.Arg425Glyfs*19. This sequence change is predicted to result in an abnormal transcript, which may be degraded, or may lead to the production of a truncated MME protein with potentially abnormal function. This sequence change is absent from known population databases (gnomAD). This sequence change has not been previously described in patients with MME-related disorders; however, other truncating variants have been described in this gene. These collective evidences indicate that this sequence change is likely pathogenic.

HudsonAlpha Institute for Biotechnology
Classification: Uncertain significance for Charcot-Marie-Tooth disease axonal type 2T. Last evaluated: 2017-03-09. Review status: criteria provided, single submitter. Criteria: HA_assertions_20161101. Collection method: research. Allele origin: unknown. Affected: yes. Observed: 1 variant allele. Study: CSER-HudsonAlpha.